The following is an entry in ClinVar:

ClinVar aggregate classification (germline): Uncertain significance (1 of 4 stars; one submission).

Conditions:
Developmental and epileptic encephalopathy, 33 (DEE33). Also called: Epileptic encephalopathy, early infantile, 33. Identifiers: Orphanet 442835, MedGen C4225337, MONDO:0014625, OMIM 616409.

Submission:

Labcorp Genetics (formerly Invitae), Labcorp
Classification: Uncertain significance for Developmental and epileptic encephalopathy, 33. Last evaluated: 2024-08-14. Review status: criteria provided, single submitter. Criteria: Invitae Variant Classification Sherloc (09022015). Collection method: clinical testing. Allele origin: germline.
Comment: This sequence change replaces alanine, which is neutral and non-polar, with glycine, which is neutral and non-polar, at codon 231 of the EEF1A2 protein (p.Ala231Gly). This variant is not present in population databases (gnomAD no frequency). This variant has not been reported in the literature in individuals affected with EEF1A2-related conditions. Invitae Evidence Modeling of protein sequence and biophysical properties (such as structural, functional, and spatial information, amino acid conservation, physicochemical variation, residue mobility, and thermodynamic stability) indicates that this missense variant is not expected to disrupt EEF1A2 protein function with a negative predictive value of 80%. In summary, the available evidence is currently insufficient to determine the role of this variant in disease. Therefore, it has been classified as a Variant of Uncertain Significance.

NM_001958.5(EEF1A2):c.692C>G (p.Ala231Gly)

Gene: EEF1A2 (eukaryotic translation elongation factor 1 alpha 2; minus strand). Cytogenetic location: 20q13.33.
Variant type: single nucleotide variant.
Coding change: c.692C>G on transcript NM_001958.5 (MANE Select); coding-DNA position 692, C replaced by G.
Protein change: p.Ala231Gly; replaces alanine 231 with glycine.
Molecular consequence: missense variant.
Genome position (GRCh38, 1-based): chr20:63,493,217, G>C on the plus strand (C>G on the coding strand, the complement: EEF1A2 is on the minus strand). VCF-style: chr20-63493217-G-C. GRCh37 (hg19) VCF-style: chr20-62124570-G-C.
Other names: short protein forms A231G.
Identifiers: ClinVar variation 3674769 (VCV003674769.2).